The following is an entry in ClinVar:

ClinVar aggregate classification (germline): Uncertain significance. Review status: criteria provided, multiple submitters, no conflicts (2 of 4 stars). 3 submissions from 3 submitters: Uncertain significance (3). Last evaluated 2024-03-03.

Conditions:
Cardiovascular phenotype. Identifiers: MedGen CN230736.

Allele frequency attached by ClinVar (database versions not stated): ExAC 0.00001; TOPMed 0.00003; gnomAD 0.00005.

Submissions (3):

Labcorp Genetics (formerly Invitae), Labcorp
Classification: Uncertain significance. Last evaluated: 2024-03-03. Review status: criteria provided, single submitter. Criteria: Invitae Variant Classification Sherloc (09022015). Collection method: clinical testing. Allele origin: germline.
Comment: This sequence change replaces aspartic acid, which is acidic and polar, with tyrosine, which is neutral and polar, at codon 1779 of the ALPK3 protein (p.Asp1779Tyr). This variant is present in population databases (rs780151205, gnomAD 0.008%). This variant has not been reported in the literature in individuals affected with ALPK3-related conditions. ClinVar contains an entry for this variant (Variation ID: 1746898). An algorithm developed to predict the effect of missense changes on protein structure and function (PolyPhen-2) suggests that this variant is likely to be disruptive. In summary, the available evidence is currently insufficient to determine the role of this variant in disease. Therefore, it has been classified as a Variant of Uncertain Significance.

GeneDx
Classification: Uncertain significance. Last evaluated: 2023-03-31. Review status: criteria provided, single submitter. Criteria: GeneDx Variant Classification Process June 2021. Collection method: clinical testing. Allele origin: germline. Affected: yes.
Comment: Has not been previously published as pathogenic or benign to our knowledge; In silico analysis supports that this missense variant has a deleterious effect on protein structure/function

Ambry Genetics
Classification: Uncertain significance for Cardiovascular phenotype. Last evaluated: 2021-05-03. Review status: criteria provided, single submitter. Criteria: Ambry Variant Classification Scheme 2023. Collection method: clinical testing. Allele origin: germline.
Comment: The p.D1779Y variant (also known as c.5335G>T), located in coding exon 13 of the ALPK3 gene, results from a G to T substitution at nucleotide position 5335. The aspartic acid at codon 1779 is replaced by tyrosine, an amino acid with highly dissimilar properties. This amino acid position is not well conserved in available vertebrate species. In addition, this alteration is predicted to be tolerated by in silico analysis. Since supporting evidence is limited at this time, the clinical significance of this alteration remains unclear.

NM_020778.5(ALPK3):c.4729G>T (p.Asp1577Tyr)

Gene: ALPK3 (alpha kinase 3; plus strand). Cytogenetic location: 15q25.3.
Variant type: single nucleotide variant.
Coding change: c.4729G>T on transcript NM_020778.5 (MANE Select); coding-DNA position 4729, G replaced by T.
Protein change: p.Asp1577Tyr; replaces aspartic acid 1577 with tyrosine.
Molecular consequence: missense variant.
Genome position (GRCh38, 1-based): chr15:84,867,322, G>T. VCF-style: chr15-84867322-G-T. GRCh37 (hg19) VCF-style: chr15-85410553-G-T.
Other names: short protein forms D1577Y.
Identifiers: ClinVar variation 1746898 (VCV001746898.8), dbSNP rs780151205, ClinGen allele CA7710072.